The following is an entry in ClinVar:

ClinVar aggregate classification (germline): Likely pathogenic. Review status: criteria provided, multiple submitters, no conflicts (2 of 4 stars). 5 submissions from 5 submitters: Likely pathogenic (5). Last evaluated 2026-02-25.

Conditions:
Tyrosinase-positive oculocutaneous albinism (OCA2). Also called: ALBINISM II; Oculocutaneous albinism type 2; Albinism, oculocutaneous, type II. Identifiers: Orphanet 79432, MedGen C0268495, MONDO:0008746, OMIM 203200.
SKIN/HAIR/EYE PIGMENTATION 1, BLUE/NONBLUE EYES (SHEP1). Also called: HAIR COLOR 3; SKIN/HAIR/EYE PIGMENTATION 1, BLOND/BROWN HAIR; SKIN/HAIR/EYE PIGMENTATION 1, BLUE/BROWN EYES; BROWN EYE COLOR 2; EYE COLOR 3; EYE COLOR, BLUE/NONBLUE. Identifiers: MedGen C1856895, OMIM 227220.

Allele frequency attached by ClinVar (database versions not stated): gnomAD exomes 0.00001; TOPMed 0.00001; gnomAD 0.00001; ExAC 0.00001.
gnomAD v4.1: 20 of 1,613,958 alleles (0.0012%); highest among the groups gnomAD compares: Admixed American, 0.01%; no homozygotes.

Submissions (5):

GeneDx
Classification: Likely pathogenic. Last evaluated: 2026-02-25. Review status: criteria provided, single submitter. Criteria: GeneDx Variant Classification Process June 2021. Collection method: clinical testing. Allele origin: germline.
Comment: In silico analysis supports that this missense variant has a deleterious effect on protein structure/function; This variant is associated with the following publications: (PMID: 40127276, 32368696, 28991257, 35379600, 41428507)

Laboratory of Genetic Epidemiology, Research Centre for Medical Genetics
Classification: Likely pathogenic for SKIN/HAIR/EYE PIGMENTATION 1, BLUE/NONBLUE EYES; Tyrosinase-positive oculocutaneous albinism. Last evaluated: 2025-01-01. Review status: criteria provided, single submitter. Criteria: ACMG Guidelines, 2015. Collection method: clinical testing. Allele origin: unknown. Inheritance: Autosomal recessive inheritance. Affected: yes. Observed: 1 heterozygote.
Comment: This variant has been previously reported in the literature (PMIDs: 28991257, 32368696) and is listed in gnomAD v3.1.2 with allele frequency 0.00001 (1/68026), none in European ethnic group. The affected amino acid position is evolutionarily conserved, and multiple in silico prediction tools support a deleterious effect. We assume that this variant is highly likely to be in trans-position with the likely pathogenic variant NM_000275.3:c.1025A>G, p.(Tyr342Cys) in proband; therefore, based on the literature (PMID: 30311386), we apply the ACMG pathogenic criterion PM3 Supporting. Taken together, the variant meets the following ACMG/AMP criteria and can be classified as likely pathogenic with PM2, PP3, PM3, PP5, PP4 criteria.

Fulgent Genetics
Classification: Likely pathogenic for Tyrosinase-positive oculocutaneous albinism; SKIN/HAIR/EYE PIGMENTATION 1, BLUE/NONBLUE EYES. Last evaluated: 2024-05-10. Review status: criteria provided, single submitter. Criteria: ACMG Guidelines, 2015. Collection method: clinical testing. Allele origin: germline.

Labcorp Genetics (formerly Invitae), Labcorp
Classification: Likely pathogenic. Last evaluated: 2022-04-08. Review status: criteria provided, single submitter. Criteria: Invitae Variant Classification Sherloc (09022015). Collection method: clinical testing. Allele origin: germline.
Comment: This sequence change replaces arginine, which is basic and polar, with histidine, which is basic and polar, at codon 720 of the OCA2 protein (p.Arg720His). This variant is present in population databases (rs776631782, gnomAD 0.009%). This variant has not been reported in the literature in individuals affected with OCA2-related conditions. Advanced modeling of protein sequence and biophysical properties (such as structural, functional, and spatial information, amino acid conservation, physicochemical variation, residue mobility, and thermodynamic stability) performed at Invitae indicates that this missense variant is expected to disrupt OCA2 protein function. This variant disrupts the p.Arg720 amino acid residue in OCA2. Other variant(s) that disrupt this residue have been determined to be pathogenic (PMID: 27734839; Invitae). This suggests that this residue is clinically significant, and that variants that disrupt this residue are likely to be disease-causing. In summary, the currently available evidence indicates that the variant is pathogenic, but additional data are needed to prove that conclusively. Therefore, this variant has been classified as Likely Pathogenic.

Juno Genomics, Hangzhou Juno Genomics, Inc
Classification: Likely pathogenic for SKIN/HAIR/EYE PIGMENTATION 1, BLUE/NONBLUE EYES; Tyrosinase-positive oculocutaneous albinism. Review status: criteria provided, single submitter. Criteria: ACMG Guidelines, 2015. Collection method: clinical testing. Allele origin: germline. Affected: yes.
Comment: Absent from controls (or at extremely low frequency if recessive) in Genome Aggregation Database, Exome Sequencing Project, 1000 Genomes Project, or Exome Aggregation Consortium.;Multiple lines of computational evidence support a deleterious effect on the gene or gene product (conservation, evolutionary, splicing impact, etc).;For recessive disorders, detected in trans with a pathogenic variant.;Patient's phenotype or family history is highly specific for a disease with a single genetic etiology.

Literature cited by the submitters: PubMed 41428507 (cited by Laboratory of Genetic Epidemiology, Research Centre for Medical Genetics); PubMed 27734839 (cited by Labcorp Genetics (formerly Invitae), Labcorp).

NM_000275.3(OCA2):c.2159G>A (p.Arg720His)

Gene: OCA2 (OCA2 melanosomal transmembrane protein; minus strand). Cytogenetic location: 15q13.1.
Variant type: single nucleotide variant.
Coding change: c.2159G>A on transcript NM_000275.3 (MANE Select); coding-DNA position 2159, G replaced by A.
Protein change: p.Arg720His; replaces arginine 720 with histidine.
Molecular consequence: missense variant.
Genome position (GRCh38, 1-based): chr15:27,871,239, C>T on the plus strand (G>A on the coding strand, the complement: OCA2 is on the minus strand). VCF-style: chr15-27871239-C-T. GRCh37 (hg19) VCF-style: chr15-28116385-C-T.
Other names: c.2159G>A (NM_000275.2); c.2087G>A, p.Arg696His (NM_001300984.2); short protein forms R696H, R720H.
Identifiers: ClinVar variation 2152219 (VCV002152219.6), dbSNP rs776631782, ClinGen allele CA7438720.